The following is an entry in ClinVar:

ClinVar aggregate classification (germline): Uncertain significance (1 of 4 stars; one submission).

Allele frequency attached by ClinVar (database versions not stated): 1000 Genomes Project 30x 0.00016.
gnomAD v4.1: 26 of 1,606,438 alleles (0.0016%); highest among the groups gnomAD compares: East Asian, 0.056%; no homozygotes.

Submission:

Labcorp Genetics (formerly Invitae), Labcorp
Classification: Uncertain significance. Last evaluated: 2022-09-27. Review status: criteria provided, single submitter. Criteria: Invitae Variant Classification Sherloc (09022015). Collection method: clinical testing. Allele origin: germline.
Comment: In summary, the available evidence is currently insufficient to determine the role of this variant in disease. Therefore, it has been classified as a Variant of Uncertain Significance. Algorithms developed to predict the effect of sequence changes on RNA splicing suggest that this variant may disrupt the consensus splice site. Advanced modeling of protein sequence and biophysical properties (such as structural, functional, and spatial information, amino acid conservation, physicochemical variation, residue mobility, and thermodynamic stability) performed at Invitae indicates that this missense variant is not expected to disrupt TTLL5 protein function. ClinVar contains an entry for this variant (Variation ID: 1368447). This variant has not been reported in the literature in individuals affected with TTLL5-related conditions. This variant is present in population databases (rs143151165, gnomAD 0.006%). This sequence change replaces alanine, which is neutral and non-polar, with serine, which is neutral and polar, at codon 164 of the TTLL5 protein (p.Ala164Ser).

NM_015072.5(TTLL5):c.490G>T (p.Ala164Ser)

Gene: TTLL5 (tubulin tyrosine ligase like 5; plus strand). Cytogenetic location: 14q24.3.
Variant type: single nucleotide variant.
Coding change: c.490G>T on transcript NM_015072.5 (MANE Select); coding-DNA position 490, G replaced by T.
Protein change: p.Ala164Ser; replaces alanine 164 with serine.
Molecular consequence: missense variant.
Genome position (GRCh38, 1-based): chr14:75,690,310, G>T. VCF-style: chr14-75690310-G-T. GRCh37 (hg19) VCF-style: chr14-76156653-G-T.
Other names: short protein forms A164S.
Identifiers: ClinVar variation 1368447 (VCV001368447.6), dbSNP rs143151165, ClinGen allele CA7278939.
Genomic context (GRCh38, chr14:75,690,310, plus strand): 5'-ACACATGGATTCAAGGCTTTTCACATCCTCCCCCAGACCTTCCTCCTGCCAGCTGAGTAC[G>T]CGGAATTTTGTAGTAAGTGCTTGACAGAGAATGCCCCAGTCCCCAGCAACTGAACCTGGG-3'
Protein context (NP_055887.3, residues 154-174): PQTFLLPAEY[Ala164Ser]EFCNSYSKDR